The following is an entry in ClinVar:

ClinVar aggregate classification (germline): Uncertain significance (1 of 4 stars; one submission).

Conditions:
Inborn genetic diseases. Identifiers: MedGen C0950123, MeSH D030342.

Submission:

Ambry Genetics
Classification: Uncertain significance for Inborn genetic diseases. Last evaluated: 2025-10-21. Review status: criteria provided, single submitter. Criteria: Ambry Variant Classification Scheme 2023. Collection method: clinical testing. Allele origin: germline.
Comment: The c.-5C>A variant is located in the 5' untranslated region (5&rsquo; UTR) of the CEBPA gene. This variant results from a C to A substitution 5 bases upstream from the first translated codon. This nucleotide position is not well conserved in available vertebrate species. Based on the available evidence, the clinical significance of this variant remains unclear.

NM_004364.5(CEBPA):c.-5C>A

Genes: CEBPA (CCAAT enhancer binding protein alpha; minus strand), LOC130064183 (ATAC-STARR-seq lymphoblastoid silent region 10495; plus strand). Cytogenetic location: 19q13.11.
Variant type: single nucleotide variant.
Coding change: c.-5C>A on transcript NM_004364.5 (MANE Select); 5 bases upstream of the start codon, C replaced by A.
Molecular consequence: 5 prime UTR variant. On other transcripts: missense variant (1).
Genome position (GRCh38, 1-based): chr19:33,302,419, G>T on the plus strand (C>A on the coding strand, the complement: CEBPA is on the minus strand). VCF-style: chr19-33302419-G-T. GRCh37 (hg19) VCF-style: chr19-33793325-G-T.
Other names: c.-362C>A (NM_001285829.2); c.101C>A, p.Ser34Tyr (NM_001287424.2); c.-47C>A (NM_001287435.2); short protein forms S34Y.
Identifiers: ClinVar variation 4611122 (VCV004611122.1).